The following is an entry in ClinVar:

NM_000138.5(FBN1):c.636A>C (p.Thr212=)

Gene: FBN1 (fibrillin 1; minus strand). Cytogenetic location: 15q21.1.
Variant type: single nucleotide variant.
Coding change: c.636A>C on transcript NM_000138.5 (MANE Select); coding-DNA position 636, A replaced by C.
Protein change: p.Thr212=; no amino-acid change (threonine 212 retained).
Molecular consequence: synonymous variant.
Genome position (GRCh38, 1-based): chr15:48,537,711, T>G on the plus strand (A>C on the coding strand, the complement: FBN1 is on the minus strand). VCF-style: chr15-48537711-T-G. GRCh37 (hg19) VCF-style: chr15-48829908-T-G.
Other names: c.636A>C, p.Thr212= (NM_001406716.1, NM_001406717.1).
Identifiers: ClinVar variation 2075869 (VCV002075869.7), dbSNP rs2505661403, ClinGen allele CA490090123.
Genomic context (GRCh38, chr15:48,537,711, plus strand): 5'-GCGGCAGGGGTGAGGCTGGGCAGGACACATCTCACAGGGGTGGCCCCAGGCTCGGCCGAC[T>G]GTGGCACAGCAGAGCGTTTTTGTGCAGACAATCCCGCTGAGTTGTCCCTGGCACATCTGG-3'
Protein context (NP_000129.3, residues 202-222): IVCTKTLCCA[Thr212=]VGRAWGHPCE

ClinVar aggregate classification (germline): Likely benign. Review status: criteria provided, multiple submitters, no conflicts (2 of 4 stars). 4 submissions from 4 submitters: Likely benign (4). Last evaluated 2025-08-20.

Conditions:
Marfan syndrome (MFS). Also called: MARFAN SYNDROME, TYPE I; Marfan syndrome type 1; Marfan's syndrome; Marfan syndrome, classic; FBN1-Related Marfan Syndrome. Identifiers: Orphanet 284963, Orphanet 558, MedGen C0024796, MONDO:0007947, OMIM 154700.
Familial thoracic aortic aneurysm and aortic dissection (TAAD). Also called: Thoracic aortic aneurysms and dissections. Identifiers: Orphanet 91387, MedGen C4707243, MONDO:0019625.

Allele frequency attached by ClinVar (database versions not stated): gnomAD exomes below 0.00001.
gnomAD v4.1: 1 of 1,614,268 alleles (0.000062%); highest among the groups gnomAD compares: Non-Finnish European, 0.000085%; no homozygotes.

Submissions (4):

Ambry Genetics
Classification: Likely benign for Familial thoracic aortic aneurysm and aortic dissection. Last evaluated: 2025-08-20. Review status: criteria provided, single submitter. Criteria: Ambry Variant Classification Scheme 2023. Collection method: clinical testing. Allele origin: germline.

All of Us Research Program, National Institutes of Health
Classification: Likely benign for Marfan syndrome. Last evaluated: 2024-02-22. Review status: criteria provided, single submitter. Criteria: ACMG Guidelines, 2015. Collection method: clinical testing. Allele origin: germline. Inheritance: Autosomal dominant inheritance. Observed: 1 variant allele, 1 heterozygote.
Comment: This study involves interpretation of variants in research participants for the purpose of population health screening. Participant phenotype was not available at the time of variant classification. Additional details can be found in publication PMID: 35346344, PMCID: PMC8962531

Color Diagnostics, LLC DBA Color Health
Classification: Likely benign for Familial thoracic aortic aneurysm and aortic dissection. Last evaluated: 2024-02-14. Review status: criteria provided, single submitter. Criteria: ACMG Guidelines, 2015. Collection method: clinical testing. Allele origin: germline.

Labcorp Genetics (formerly Invitae), Labcorp
Classification: Likely benign for Marfan syndrome; Familial thoracic aortic aneurysm and aortic dissection. Last evaluated: 2023-12-14. Review status: criteria provided, single submitter. Criteria: Invitae Variant Classification Sherloc (09022015). Collection method: clinical testing. Allele origin: germline.